The following is an entry in ClinVar:

ClinVar aggregate classification (germline): Uncertain significance (1 of 4 stars; one submission).

Conditions:
Hereditary nonpolyposis colorectal neoplasms. Identifiers: MedGen C0009405, MeSH D003123.

Submission:

Labcorp Genetics (formerly Invitae), Labcorp
Classification: Uncertain significance for Hereditary nonpolyposis colorectal neoplasms. Last evaluated: 2023-08-05. Review status: criteria provided, single submitter. Criteria: Invitae Variant Classification Sherloc (09022015). Collection method: clinical testing. Allele origin: germline.
Comment: This sequence change replaces glutamic acid, which is acidic and polar, with glycine, which is neutral and non-polar, at codon 582 of the PMS2 protein (p.Glu582Gly). In summary, the available evidence is currently insufficient to determine the role of this variant in disease. Therefore, it has been classified as a Variant of Uncertain Significance. Advanced modeling of protein sequence and biophysical properties (such as structural, functional, and spatial information, amino acid conservation, physicochemical variation, residue mobility, and thermodynamic stability) performed at Invitae indicates that this missense variant is not expected to disrupt PMS2 protein function. This variant has not been reported in the literature in individuals affected with PMS2-related conditions. This variant is not present in population databases (gnomAD no frequency).

NM_000535.7(PMS2):c.1745A>G (p.Glu582Gly)

Gene: PMS2 (PMS1 homolog 2, mismatch repair system component; minus strand). Cytogenetic location: 7p22.1.
Variant type: single nucleotide variant.
Coding change: c.1745A>G on transcript NM_000535.7 (MANE Select); coding-DNA position 1745, A replaced by G.
Protein change: p.Glu582Gly; replaces glutamic acid 582 with glycine.
Molecular consequence: missense variant. On other transcripts: non-coding transcript variant (1), intron variant (1).
Genome position (GRCh38, 1-based): chr7:5,987,020, T>C on the plus strand (A>G on the coding strand, the complement: PMS2 is on the minus strand). VCF-style: chr7-5987020-T-C. GRCh37 (hg19) VCF-style: chr7-6026651-T-C.
Other names: c.1184A>G, p.Glu395Gly (NM_001406906.1, NM_001406907.1, NM_001322010.2); c.1340A>G, p.Glu447Gly (NM_001406908.1, NM_001406910.1, NM_001018040.1 and 17 more transcripts); c.1172A>G, p.Glu391Gly (NM_001406909.1, NM_001322013.2); c.974A>G, p.Glu325Gly (NM_001406911.1); c.804-4029A>G (NM_001406912.1); c.1589A>G, p.Glu530Gly (NM_001322006.2, NM_001406870.1); c.1427A>G, p.Glu476Gly (NM_001322007.2, NM_001322008.2, NM_001406883.1 and 2 more transcripts); c.812A>G, p.Glu271Gly (NM_001322011.2, NM_001322012.2); and 13 more; short protein forms E479G, E530G, E546G, E391G, E424G, E447G, E470G, E476G.
Identifiers: ClinVar variation 2750395 (VCV002750395.3), dbSNP rs2128724220, ClinGen allele CA366740062.